The following is an entry in ClinVar:

ClinVar aggregate classification (germline): Uncertain significance (1 of 4 stars; one submission).

Conditions:
Sclerosteosis 2 (SOST2). Identifiers: Orphanet 3152, MedGen C3280402, MONDO:0013679, OMIM 614305.
Congenital myasthenic syndrome 17. Identifiers: Orphanet 590, MedGen C4225377, MONDO:0014578, OMIM 616304.
Cenani-Lenz syndactyly syndrome. Also called: CENANI SYNDACTYLISM; SYNDACTYLY, TYPE VII. Identifiers: Orphanet 3258, MedGen C1859309, MONDO:0008931, OMIM 212780.

Allele frequency attached by ClinVar (database versions not stated): gnomAD exomes 0.00002; gnomAD 0.00003 and 0.00004; TOPMed 0.00003.
gnomAD v4.1: 32 of 1,613,050 alleles (0.002%); highest among the groups gnomAD compares: African/African-American, 0.004%; no homozygotes.

Submission:

Labcorp Genetics (formerly Invitae), Labcorp
Classification: Uncertain significance for Cenani-Lenz syndactyly syndrome; Sclerosteosis 2; Congenital myasthenic syndrome 17. Last evaluated: 2022-04-07. Review status: criteria provided, single submitter. Criteria: Invitae Variant Classification Sherloc (09022015). Collection method: clinical testing. Allele origin: germline.
Comment: This sequence change affects codon 870 of the LRP4 mRNA. It is a 'silent' change, meaning that it does not change the encoded amino acid sequence of the LRP4 protein. This variant is not present in population databases (gnomAD no frequency). This variant has not been reported in the literature in individuals affected with LRP4-related conditions. Algorithms developed to predict the effect of sequence changes on RNA splicing suggest that this variant may create or strengthen a splice site. In summary, the available evidence is currently insufficient to determine the role of this variant in disease. Therefore, it has been classified as a Variant of Uncertain Significance.

NM_002334.4(LRP4):c.2610C>T (p.Gly870=)

Gene: LRP4 (LDL receptor related protein 4; minus strand). Cytogenetic location: 11p11.2.
Variant type: single nucleotide variant.
Coding change: c.2610C>T on transcript NM_002334.4 (MANE Select); coding-DNA position 2610, C replaced by T.
Protein change: p.Gly870=; no amino-acid change (glycine 870 retained).
Molecular consequence: synonymous variant.
Genome position (GRCh38, 1-based): chr11:46,883,873, G>A on the plus strand (C>T on the coding strand, the complement: LRP4 is on the minus strand). VCF-style: chr11-46883873-G-A. GRCh37 (hg19) VCF-style: chr11-46905424-G-A.
Identifiers: ClinVar variation 1429671 (VCV001429671.4), dbSNP rs751431064, ClinGen allele CA221637148.